The following is an entry in ClinVar:

ClinVar aggregate classification (germline): Uncertain significance (1 of 4 stars; one submission).

Submission:

Ambry Genetics
Classification: Uncertain significance. Last evaluated: 2024-07-03. Review status: criteria provided, single submitter. Criteria: Ambry Variant Classification Scheme 2023. Collection method: clinical testing. Allele origin: germline.
Comment: The p.S446A variant (also known as c.1336T>G), located in coding exon 13 of the NPAT gene, results from a T to G substitution at nucleotide position 1336. The serine at codon 446 is replaced by alanine, an amino acid with similar properties. This amino acid position is conserved. In addition, this alteration is predicted to be tolerated by in silico analysis. Based on the available evidence, the clinical significance of this variant remains unclear.

NM_002519.3(NPAT):c.1336T>G (p.Ser446Ala)

Gene: NPAT (nuclear protein, coactivator of histone transcription; minus strand). Cytogenetic location: 11q22.3.
Variant type: single nucleotide variant.
Coding change: c.1336T>G on transcript NM_002519.3 (MANE Select); coding-DNA position 1336, T replaced by G.
Protein change: p.Ser446Ala; replaces serine 446 with alanine.
Molecular consequence: missense variant.
Genome position (GRCh38, 1-based): chr11:108,173,648, A>C on the plus strand (T>G on the coding strand, the complement: NPAT is on the minus strand). VCF-style: chr11-108173648-A-C. GRCh37 (hg19) VCF-style: chr11-108044375-A-C.
Other names: c.1336T>G, p.Ser446Ala (NM_001321307.1); short protein forms S446A.
Identifiers: ClinVar variation 3407167 (VCV003407167.1).
Genomic context (GRCh38, chr11:108,173,648, plus strand): 5'-GTGGATTACATTCAGCATTAGAATTCCCTCTTTGGTTAAAGTCATTCAAATTAGGCACGG[A>C]CTCAAAGGTAATGTCAATGTCACACTTCTGTTCAGTGGGTACAGCTGTTTTAAAGGCCTT-3'
Protein context (NP_002510.2, residues 436-456): QKCDIDITFE[Ser446Ala]VPNLNDFNQR